The following is an entry in ClinVar:

NM_014714.4(IFT140):c.1309G>A (p.Ala437Thr)

Genes: IFT140 (intraflagellar transport 140; minus strand), LOC105371046 (uncharacterized LOC105371046; plus strand). Cytogenetic location: 16p13.3.
Variant type: single nucleotide variant.
Coding change: c.1309G>A on transcript NM_014714.4 (MANE Select); coding-DNA position 1309, G replaced by A.
Protein change: p.Ala437Thr; replaces alanine 437 with threonine.
Molecular consequence: missense variant.
Genome position (GRCh38, 1-based): chr16:1,584,267, C>T on the plus strand (G>A on the coding strand, the complement: IFT140 is on the minus strand). VCF-style: chr16-1584267-C-T. GRCh37 (hg19) VCF-style: chr16-1634268-C-T.
Other names: short protein forms A437T.
Identifiers: ClinVar variation 886296 (VCV000886296.14), dbSNP rs373106880, ClinGen allele CA7814373.
Genomic context (GRCh38, chr16:1,584,267, plus strand): 5'-CGGCAGTCACCTTGGTGGCAAACACTCCACTGATGTGCATGTCGGTGCGCAGGCTGTGTG[C>T]GACCCCCGTGGACAGGAAGCACACATTCAGCAGACTCGGGGAGACCTGCATGGCGGCCAC-3'
Protein context (NP_055529.2, residues 427-447): LNVCFLSTGV[Ala437Thr]HSLRTDMHIS

ClinVar aggregate classification (germline): Conflicting classifications of pathogenicity. Review status: criteria provided, conflicting classifications (1 of 4 stars). 6 submissions from 6 submitters: Uncertain significance (4); Likely benign (2). Last evaluated 2026-02-02.

Conditions:
Inborn genetic diseases. Identifiers: MedGen C0950123, MeSH D030342.
Retinal dystrophy. Also called: Inherited retinal dystrophy. Identifiers: Orphanet 71862, MedGen C0854723, MeSH D058499, MONDO:0019118, HP:0000556.
Retinitis pigmentosa 80 (RP80). Identifiers: MedGen C4540439, MONDO:0054708, OMIM 617781.
Saldino-Mainzer syndrome (SRTD9). Also called: Renal dysplasia, retinal pigmentary dystrophy, cerebellar ataxia and skeletal dysplasia; short-rib thoracic dysplasia 9 with or without polydactyly; CONORENAL SYNDROME; SHORT-RIB THORACIC DYSPLASIA 9 WITHOUT POLYDACTYLY. Identifiers: Orphanet 140969, MedGen C1849437, MONDO:0009964, OMIM 266920.

Allele frequency attached by ClinVar (database versions not stated): gnomAD exomes 0.00002 and 0.00004; TOPMed 0.00005; ExAC 0.00006; ESP Exome Variant Server 0.00015.
gnomAD v4.1: 76 of 1,613,588 alleles (0.0047%); highest among the groups gnomAD compares: East Asian, 0.0089%; no homozygotes.

Submissions (6):

Labcorp Genetics (formerly Invitae), Labcorp
Classification: Uncertain significance for Saldino-Mainzer syndrome. Last evaluated: 2026-02-02. Review status: criteria provided, single submitter. Criteria: Invitae Variant Classification Sherloc (09022015). Collection method: clinical testing. Allele origin: germline.
Comment: This sequence change replaces alanine, which is neutral and non-polar, with threonine, which is neutral and polar, at codon 437 of the IFT140 protein (p.Ala437Thr). This variant is present in population databases (rs373106880, gnomAD 0.007%). This variant has not been reported in the literature in individuals affected with IFT140-related conditions. ClinVar contains an entry for this variant (Variation ID: 886296). Invitae Evidence Modeling of protein sequence and biophysical properties (such as structural, functional, and spatial information, amino acid conservation, physicochemical variation, residue mobility, and thermodynamic stability) indicates that this missense variant is not expected to disrupt IFT140 protein function with a negative predictive value of 95%. In summary, the available evidence is currently insufficient to determine the role of this variant in disease. Therefore, it has been classified as a Variant of Uncertain Significance.

Ambry Genetics
Classification: Likely benign for Inborn genetic diseases. Last evaluated: 2024-06-03. Review status: criteria provided, single submitter. Criteria: Ambry Variant Classification Scheme 2023. Collection method: clinical testing. Allele origin: germline.

Fulgent Genetics
Classification: Uncertain significance for Saldino-Mainzer syndrome; Retinitis pigmentosa 80. Last evaluated: 2024-04-17. Review status: criteria provided, single submitter. Criteria: ACMG Guidelines, 2015. Collection method: clinical testing. Allele origin: germline.

Dept Of Ophthalmology, Nagoya University
Classification: Uncertain significance for Retinal dystrophy. Last evaluated: 2023-10-01. Review status: criteria provided, single submitter. Criteria: Submitter's publication. Collection method: research. Allele origin: germline. Affected: yes.

Blueprint Genetics
Classification: Likely benign. Last evaluated: 2022-10-05. Review status: criteria provided, single submitter. Criteria: ACMG Guidelines, 2015. Collection method: clinical testing. Allele origin: germline.

Illumina Laboratory Services, Illumina
Classification: Uncertain significance for Saldino-Mainzer syndrome. Last evaluated: 2018-01-12. Review status: criteria provided, single submitter. Criteria: ICSL Variant Classification Criteria 13 December 2019. Collection method: clinical testing. Allele origin: germline.